The following is an entry in ClinVar:

ClinVar aggregate classification (germline): Uncertain significance (1 of 4 stars; one submission).

Conditions:
Neuronopathy, distal hereditary motor, autosomal recessive 10 (HMNR10). Also called: NEUROPATHY, DISTAL HEREDITARY MOTOR, AUTOSOMAL RECESSIVE 10; VRK1-RELATED MOTOR NEURON DISEASE. Identifiers: MedGen C5882703, MONDO:0957876, OMIM 620542.

Submission:

3billion
Classification: Uncertain significance for Neuronopathy, distal hereditary motor, autosomal recessive 10. Last evaluated: 2023-12-05. Review status: criteria provided, single submitter. Criteria: ACMG Guidelines, 2015. Collection method: clinical testing. Allele origin: germline. Affected: yes.
Comment: The variant is not observed in the gnomAD v2.1.1 dataset. Predicted Consequence/Location: Missense variant In silico tool predictions suggest damaging effect of the variant on gene or gene product [REVEL: 0.82 (>=0.6, sensitivity 0.68 and specificity 0.92); 3Cnet: 0.86 (>=0.6, sensitivity 0.72 and precision 0.9)]. Therefore, this variant is classified as VUS according to the recommendation of ACMG/AMP guideline.

NM_003384.3(VRK1):c.248A>G (p.Glu83Gly)

Gene: VRK1 (VRK serine/threonine kinase 1; plus strand). Cytogenetic location: 14q32.2.
Variant type: single nucleotide variant.
Coding change: c.248A>G on transcript NM_003384.3 (MANE Select); coding-DNA position 248, A replaced by G.
Protein change: p.Glu83Gly; replaces glutamic acid 83 with glycine.
Molecular consequence: missense variant.
Genome position (GRCh38, 1-based): chr14:96,846,126, A>G. VCF-style: chr14-96846126-A-G. GRCh37 (hg19) VCF-style: chr14-97312463-A-G.
Other names: c.248A>G, p.Glu83Gly (NM_001411051.1, NM_001411053.1); short protein forms E83G.
Identifiers: ClinVar variation 3775426 (VCV003775426.1).
Genomic context (GRCh38, chr14:96,846,126, plus strand): 5'-CTAGTACTAATTAACTCTTATATTTTAAGGAACCCAGTGACAATGGACCTCTTTTTACTG[A>G]ATTAAAGTTCTACCAACGAGCTGCAAAACCAGAGCAAAGTAAGAAATACAGTACACATAC-3'
Protein context (NP_003375.1, residues 73-93): EPSDNGPLFT[Glu83Gly]LKFYQRAAKP